The following is an entry in ClinVar:

NM_006459.4(ERLIN1):c.826-157G>A

Gene: ERLIN1 (ER lipid raft associated 1; minus strand). Cytogenetic location: 10q24.31.
Variant type: single nucleotide variant.
Coding change: c.826-157G>A on transcript NM_006459.4 (MANE Select); 157 bases into the intron before coding-DNA position 826, G replaced by A.
Molecular consequence: intron variant.
Genome position (GRCh38, 1-based): chr10:100,152,509, C>T on the plus strand (G>A on the coding strand, the complement: ERLIN1 is on the minus strand). VCF-style: chr10-100152509-C-T. GRCh37 (hg19) VCF-style: chr10-101912266-C-T.
Other names: c.826-157G>A (NM_001347857.2, NM_001100626.2, NM_001347860.2 and 2 more transcripts); c.574-157G>A (NM_001347856.2); c.346-157G>A (NM_001347858.2).
Identifiers: ClinVar variation 1693026 (VCV001693026.2), dbSNP rs12242398, ClinGen allele CA212888951.

ClinVar aggregate classification (germline): Likely benign (1 of 4 stars; one submission).

Allele frequency attached by ClinVar (database versions not stated): 1000 Genomes Project 0.00499; gnomAD 0.00499 and 0.00531; 1000 Genomes Project 30x 0.00531; TOPMed 0.00583.
gnomAD v4.1: 749 of 152,322 alleles (0.49%); highest among the groups gnomAD compares: African/African-American, 1.7%; 8 homozygotes.

Submission:

GeneDx
Classification: Likely benign. Last evaluated: 2021-12-21. Review status: criteria provided, single submitter. Criteria: GeneDx Variant Classification Process June 2021. Collection method: clinical testing. Allele origin: germline. Affected: yes.
Comment: See Variant Classification Assertion Criteria.